The following is an entry in ClinVar:

NM_001393769.1(MED12L):c.4581A>G (p.Gln1527=)

Genes: MED12L (mediator complex subunit 12L; plus strand), P2RY12 (purinergic receptor P2Y12; minus strand). Cytogenetic location: 3q25.1.
Variant type: single nucleotide variant.
Coding change: c.4581A>G on transcript NM_001393769.1 (MANE Select); coding-DNA position 4581, A replaced by G.
Protein change: p.Gln1527=; no amino-acid change (glutamine 1527 retained).
Molecular consequence: synonymous variant. On other transcripts: intron variant (1).
Genome position (GRCh38, 1-based): chr3:151,380,215, A>G. VCF-style: chr3-151380215-A-G. GRCh37 (hg19) VCF-style: chr3-151098003-A-G.
Other names: c.4476A>G, p.Gln1492= (NM_053002.6); c.-180+4477T>C (NM_022788.5).
Identifiers: ClinVar variation 3772288 (VCV003772288.13).
Genomic context (GRCh38, chr3:151,380,215, plus strand): 5'-TACCTGCCTTAAGGGACAAGATGAACAAAGGGAAGGCCTCCTAACATCTCTCCAGAATCA[A>G]GTTAACCAGGTAAAGTATAGTATAATATTAAGACAGGCAAATATCTTTCTAACGGCATTC-3'
Protein context (NP_001380698.1, residues 1517-1537): REGLLTSLQN[Gln1527=]VNQILSNWRE

ClinVar aggregate classification (germline): Likely benign (1 of 4 stars; one submission).

gnomAD v4.1: 30 of 1,592,396 alleles (0.0019%); highest among the groups gnomAD compares: Admixed American, 0.053%; no homozygotes.

Submission:

CeGaT Center for Human Genetics Tuebingen
Classification: Likely benign. Last evaluated: 2025-01-01. Review status: criteria provided, single submitter. Criteria: CeGaT Center For Human Genetics Tuebingen Variant Classification Criteria Version 2. Collection method: clinical testing. Allele origin: germline. Affected: yes. Observed: 1 variant allele.
Comment: MED12L: BP4, BP7